The following is an entry in ClinVar:

ClinVar aggregate classification (germline): Uncertain significance. Review status: criteria provided, multiple submitters, no conflicts (2 of 4 stars). 9 submissions from 9 submitters: Uncertain significance (8). 1 of the submissions does not count toward it. Last evaluated 2025-06-22.

Conditions:
Ovarian cancer. Also called: OVARIAN CANCER, SOMATIC. Identifiers: Orphanet 213500, MedGen C1140680, MONDO:0008170, OMIM 167000.
Fanconi anemia complementation group J. Also called: BRIP1-Related Fanconi Anemia. Identifiers: Orphanet 84, MedGen C1836860, MONDO:0012187, OMIM 609054.
Hereditary cancer-predisposing syndrome. Also called: Neoplastic Syndromes, Hereditary; Hereditary Cancer Syndrome; Hereditary neoplastic syndrome; Tumor predisposition. Identifiers: Orphanet 140162, MedGen C0027672, MeSH D009386, MONDO:0015356.
Familial cancer of breast. Also called: Hereditary breast cancer; hereditary breast carcinoma; BREAST CANCER, FAMILIAL. Identifiers: Orphanet 227535, MedGen C0346153, MONDO:0016419, OMIM 114480. Disease mechanism: loss of function.

Allele frequency attached by ClinVar (database versions not stated): 1000 Genomes Project 0.00020; 1000 Genomes Project 30x 0.00031.
gnomAD v4.1: 2 of 1,612,524 alleles (0.00012%); highest among the groups gnomAD compares: African/African-American, 0.0013%; no homozygotes.

Submissions (9):

Labcorp Genetics (formerly Invitae), Labcorp
Classification: Uncertain significance for Familial cancer of breast; Fanconi anemia complementation group J. Last evaluated: 2025-06-22. Review status: criteria provided, single submitter. Criteria: Invitae Variant Classification Sherloc (09022015). Collection method: clinical testing. Allele origin: germline.
Comment: This sequence change replaces arginine, which is basic and polar, with lysine, which is basic and polar, at codon 539 of the BRIP1 protein (p.Arg539Lys). This variant is not present in population databases (gnomAD no frequency). This missense change has been observed in individual(s) with breast cancer (PMID: 26976419). ClinVar contains an entry for this variant (Variation ID: 141698). Invitae Evidence Modeling of protein sequence and biophysical properties (such as structural, functional, and spatial information, amino acid conservation, physicochemical variation, residue mobility, and thermodynamic stability) indicates that this missense variant is not expected to disrupt BRIP1 protein function with a negative predictive value of 95%. In summary, the available evidence is currently insufficient to determine the role of this variant in disease. Therefore, it has been classified as a Variant of Uncertain Significance.

Color Diagnostics, LLC DBA Color Health
Classification: Uncertain significance for Hereditary cancer-predisposing syndrome. Last evaluated: 2024-08-12. Review status: criteria provided, single submitter. Criteria: ACMG Guidelines, 2015. Collection method: clinical testing. Allele origin: germline.
Comment: This missense variant replaces arginine with lysine at codon 539 of the BRIP1 protein. Computational prediction suggests that this variant may not impact protein structure and function. To our knowledge, functional studies have not been reported for this variant. This variant has been reported in an individual affected with breast cancer (PMID: 26976419) and in an unaffected control individual (PMID: 33471991). This variant has not been identified in the general population by the Genome Aggregation Database (gnomAD). The available evidence is insufficient to determine the role of this variant in disease conclusively. Therefore, this variant is classified as a Variant of Uncertain Significance.

Ambry Genetics
Classification: Uncertain significance for Hereditary cancer-predisposing syndrome. Last evaluated: 2024-06-07. Review status: criteria provided, single submitter. Criteria: Ambry Variant Classification Scheme 2023. Collection method: clinical testing. Allele origin: germline.
Comment: The p.R539K variant (also known as c.1616G>A), located in coding exon 10 of the BRIP1 gene, results from a G to A substitution at nucleotide position 1616. The arginine at codon 539 is replaced by lysine, an amino acid with highly similar properties. This alteration has been reported in a cohort of 488 patients with stages I to III breast cancer who were tested with a 25-gene panel test (Tung N et al. J. Clin. Oncol., 2016 May;34:1460-8). This amino acid position is well conserved in available vertebrate species. In addition, this alteration is predicted to be tolerated by in silico analysis. Based on the available evidence, the clinical significance of this variant remains unclear.

GeneDx
Classification: Uncertain significance. Last evaluated: 2024-01-23. Review status: criteria provided, single submitter. Criteria: GeneDx Variant Classification Process June 2021. Collection method: clinical testing. Allele origin: germline. Affected: yes.
Comment: Not observed at significant frequency in large population cohorts (gnomAD); In silico analysis supports that this missense variant does not alter protein structure/function; Observed in an individual with breast cancer (PMID: 26976419); This variant is associated with the following publications: (PMID: 26976419)

Myriad Genetics, Inc.
Classification: Uncertain significance for Familial cancer of breast. Last evaluated: 2023-03-01. Review status: criteria provided, single submitter. Criteria: Myriad Autosomal Dominant, Autosomal Recessive and X-Linked Classification Criteria (2023). Collection method: clinical testing. Allele origin: unknown.
Comment: This variant is classified as a variant of uncertain significance as there is insufficient evidence to determine its impact on protein function and/or cancer risk.

Sema4
Classification: Uncertain significance for Hereditary cancer-predisposing syndrome. Last evaluated: 2022-01-04. Review status: criteria provided, single submitter. Criteria: Sema4 Curation Guidelines. Collection method: curation. Allele origin: germline.
Comment: The BRIP1 c.1616G>A (p.R539K) variant has been reported in heterozygosity in at least 1 individual with breast cancer (PMID: 26976419). It has been reported in a large case-control study of breast cancer in 1/53461 controls, and not in 60466 breast cancer cases (PMID: 33471991). This variant is not reported in the population database Genome Aggregation Database (PMID: 32461654). This variant has been reported in ClinVar (Variation ID: 141698). Functional studies have not been performed, and in silico predictions of the variant's effect on protein function are inconclusive. The overall evidence is insufficient to meet ACMG/AMP criteria for classifying it as benign or pathogenic. In summary, the clinical significance of this variant is currently uncertain.

Quest Diagnostics Nichols Institute San Juan Capistrano
Classification: Uncertain significance. Last evaluated: 2021-03-26. Review status: criteria provided, single submitter. Criteria: Quest Diagnostics criteria. Collection method: clinical testing. Allele origin: unknown.

Mendelics
Classification: Uncertain significance for Familial cancer of breast. Last evaluated: 2019-05-28. Review status: criteria provided, single submitter. Criteria: Mendelics Assertion Criteria 2017. Collection method: clinical testing. Allele origin: unknown.

Counsyl
Classification: Uncertain significance for Fanconi anemia complementation group J; Ovarian cancer. Last evaluated: 2017-07-10. Review status: no assertion criteria provided. Collection method: clinical testing. Allele origin: unknown. Not counted in ClinVar's aggregate classification.

Literature cited by the submitters: PubMed 26976419 (cited by 6 submitters); PubMed 33471991 (cited by Color Diagnostics, LLC DBA Color Health and Sema4).

NM_032043.3(BRIP1):c.1616G>A (p.Arg539Lys)

Gene: BRIP1 (BRCA1 interacting DNA helicase 1; minus strand). Cytogenetic location: 17q23.2.
Variant type: single nucleotide variant.
Coding change: c.1616G>A on transcript NM_032043.3 (MANE Select); coding-DNA position 1616, G replaced by A.
Protein change: p.Arg539Lys; replaces arginine 539 with lysine.
Molecular consequence: missense variant.
Genome position (GRCh38, 1-based): chr17:61,784,282, C>T on the plus strand (G>A on the coding strand, the complement: BRIP1 is on the minus strand). VCF-style: chr17-61784282-C-T. GRCh37 (hg19) VCF-style: chr17-59861643-C-T.
Other names: short protein forms R539K.
Identifiers: ClinVar variation 141698 (VCV000141698.25), dbSNP rs199616792, ClinGen allele CA166163.